The following is an entry in ClinVar:

ClinVar aggregate classification (germline): Uncertain significance (1 of 4 stars; one submission).

Conditions:
Charcot-Marie-Tooth disease type 2. Also called: Charcot-Marie-Tooth type 2. Identifiers: Orphanet 64746, MedGen C0270914, MONDO:0018993.

Allele frequency attached by ClinVar (database versions not stated): TOPMed 0.00001.

Submission:

Labcorp Genetics (formerly Invitae), Labcorp
Classification: Uncertain significance for Charcot-Marie-Tooth disease type 2. Last evaluated: 2022-06-21. Review status: criteria provided, single submitter. Criteria: Invitae Variant Classification Sherloc (09022015). Collection method: clinical testing. Allele origin: germline.
Comment: This sequence change replaces glutamic acid, which is acidic and polar, with aspartic acid, which is acidic and polar, at codon 45 of the KIF1B protein (p.Glu45Asp). This variant is not present in population databases (gnomAD no frequency). This variant has not been reported in the literature in individuals affected with KIF1B-related conditions. Algorithms developed to predict the effect of missense changes on protein structure and function are either unavailable or do not agree on the potential impact of this missense change (SIFT: "Tolerated"; PolyPhen-2: "Possibly Damaging"; Align-GVGD: "Class C0"). In summary, the available evidence is currently insufficient to determine the role of this variant in disease. Therefore, it has been classified as a Variant of Uncertain Significance.

NM_001365951.3(KIF1B):c.135A>C (p.Glu45Asp)

Gene: KIF1B (kinesin family member 1B; plus strand). Cytogenetic location: 1p36.22.
Variant type: single nucleotide variant.
Coding change: c.135A>C on transcript NM_001365951.3 (MANE Select); coding-DNA position 135, A replaced by C.
Protein change: p.Glu45Asp; replaces glutamic acid 45 with aspartic acid.
Molecular consequence: missense variant.
Genome position (GRCh38, 1-based): chr1:10,256,275, A>C. VCF-style: chr1-10256275-A-C. GRCh37 (hg19) VCF-style: chr1-10316333-A-C.
Other names: c.135A>C, p.Glu45Asp (NM_001365952.1, NM_001365953.1, NM_015074.3 and 1 more transcripts); short protein forms E45D.
Identifiers: ClinVar variation 2008810 (VCV002008810.4), dbSNP rs1647775746, ClinGen allele CA338322996.